The following is an entry in ClinVar:

ClinVar aggregate classification (germline): Uncertain significance (1 of 4 stars; one submission).

Conditions:
Hereditary cancer-predisposing syndrome. Also called: Neoplastic Syndromes, Hereditary; Hereditary neoplastic syndrome; Hereditary Cancer Syndrome; Tumor predisposition. Identifiers: Orphanet 140162, MedGen C0027672, MeSH D009386, MONDO:0015356.

Submission:

Ambry Genetics
Classification: Uncertain significance for Hereditary cancer-predisposing syndrome. Last evaluated: 2026-07-28. Review status: criteria provided, single submitter. Criteria: Ambry Variant Classification Scheme 2023. Collection method: clinical testing. Allele origin: germline.
Comment: The p.K885I variant (also known as c.2654A>T), located in coding exon 16 of the PTCH1 gene, results from an A to T substitution at nucleotide position 2654. The lysine at codon 885 is replaced by isoleucine, an amino acid with dissimilar properties. This amino acid position is highly conserved in available vertebrate species. In addition, this alteration is predicted to be deleterious by in silico analysis. Based on the available evidence, the clinical significance of this variant remains unclear.

NM_000264.5(PTCH1):c.2654A>T (p.Lys885Ile)

Gene: PTCH1 (patched 1; minus strand). Cytogenetic location: 9q22.32.
Variant type: single nucleotide variant.
Coding change: c.2654A>T on transcript NM_000264.5 (MANE Select); coding-DNA position 2654, A replaced by T.
Protein change: p.Lys885Ile; replaces lysine 885 with isoleucine.
Molecular consequence: missense variant. On other transcripts: non-coding transcript variant (1).
Genome position (GRCh38, 1-based): chr9:95,461,905, T>A on the plus strand (A>T on the coding strand, the complement: PTCH1 is on the minus strand). VCF-style: chr9-95461905-T-A. GRCh37 (hg19) VCF-style: chr9-98224187-T-A.
Other names: c.2456A>T, p.Lys819Ile (NM_001083602.3); c.2651A>T, p.Lys884Ile (NM_001083603.3); c.2201A>T, p.Lys734Ile (NM_001083604.3, NM_001083605.3, NM_001083606.3 and 1 more transcripts); c.2498A>T, p.Lys833Ile (NM_001354918.2); short protein forms K819I, K885I, K833I, K734I, K884I.
Identifiers: ClinVar variation 486218 (VCV000486218.6), dbSNP rs1272128871, ClinGen allele CA374113380.